The following is an entry in ClinVar:

ClinVar aggregate classification (germline): Uncertain significance (1 of 4 stars; one submission).

Submission:

Labcorp Genetics (formerly Invitae), Labcorp
Classification: Uncertain significance. Last evaluated: 2025-10-17. Review status: criteria provided, single submitter. Criteria: Invitae Variant Classification Sherloc (09022015). Collection method: clinical testing. Allele origin: germline.
Comment: This sequence change affects a donor splice site in intron 1 of the RIPPLY2 gene. It is expected to disrupt RNA splicing. Variants that disrupt the donor or acceptor splice site typically lead to a loss of protein function (PMID: 16199547), however the current clinical and genetic evidence is not sufficient to establish whether loss-of-function variants in RIPPLY2 cause disease. This variant is not present in population databases (gnomAD no frequency). This variant has not been reported in the literature in individuals affected with RIPPLY2-related conditions. Algorithms developed to predict the effect of sequence changes on RNA splicing suggest that this variant may disrupt the consensus splice site. In summary, the available evidence is currently insufficient to determine the role of this variant in disease. Therefore, it has been classified as a Variant of Uncertain Significance.

Literature cited by the submitters: PubMed 16199547.

NM_001009994.3(RIPPLY2):c.95+2T>A

Genes: RIPPLY2 (ripply transcriptional repressor 2; plus strand), RIPPLY2-CYB5R4 (RIPPLY2-CYB5R4 readthrough; plus strand). Cytogenetic location: 6q14.2.
Variant type: single nucleotide variant.
Coding change: c.95+2T>A on transcript NM_001009994.3 (MANE Select); the canonical splice donor site of the intron after coding-DNA position 95, T replaced by A.
Molecular consequence: splice donor variant.
Genome position (GRCh38, 1-based): chr6:83,853,513, T>A. VCF-style: chr6-83853513-T-A. GRCh37 (hg19) VCF-style: chr6-84563232-T-A.
Other names: c.95+2T>A (NM_001400900.1).
Identifiers: ClinVar variation 4729403 (VCV004729403.1).
Genomic context (GRCh38, chr6:83,853,513, plus strand): 5'-GGAGCTGCGGCGTGCGCGGCCACCGACGGCCCTACGCGGCGCGCGGGCGCGGACTCCGGG[T>A]AGGCTTCCCCGCGCTGCTCTGCGCCTCCCAGCTTCCCCCGTCTCTCCCTCCTGCGCCTCC-3'